The following is an entry in ClinVar:

NM_000138.5(FBN1):c.3837A>C (p.Val1279=)

Gene: FBN1 (fibrillin 1; minus strand). Cytogenetic location: 15q21.1.
Variant type: single nucleotide variant.
Coding change: c.3837A>C on transcript NM_000138.5 (MANE Select); coding-DNA position 3837, A replaced by C.
Protein change: p.Val1279=; no amino-acid change (valine 1279 retained).
Molecular consequence: synonymous variant.
Genome position (GRCh38, 1-based): chr15:48,483,819, T>G on the plus strand (A>C on the coding strand, the complement: FBN1 is on the minus strand). VCF-style: chr15-48483819-T-G. GRCh37 (hg19) VCF-style: chr15-48776016-T-G.
Other names: c.3837A>C, p.Val1279= (NM_001406716.1).
Identifiers: ClinVar variation 3070120 (VCV003070120.1), dbSNP rs59007872, ClinGen allele CA490016913.
Genomic context (GRCh38, chr15:48,483,819, plus strand): 5'-AATTTAACAGTGCTTATGACTAACAAGACAAGATGAAAAATTCTGTCTTCTTTGCTTACC[T>G]ACACAAGTCTTCATGTCTTCAGATGCCATGAATCCATCATAACACAAGCACCTGTACTCT-3'
Protein context (NP_000129.3, residues 1269-1289): FMASEDMKTC[Val1279=]DVNECDLNPN

ClinVar aggregate classification (germline): Likely benign (1 of 4 stars; one submission).

Conditions:
Marfan syndrome (MFS). Also called: MARFAN SYNDROME, TYPE I; Marfan syndrome type 1; Marfan's syndrome; Marfan syndrome, classic; FBN1-Related Marfan Syndrome. Identifiers: Orphanet 284963, Orphanet 558, MedGen C0024796, MONDO:0007947, OMIM 154700.

Submission:

All of Us Research Program, National Institutes of Health
Classification: Likely benign for Marfan syndrome. Last evaluated: 2023-06-26. Review status: criteria provided, single submitter. Criteria: ACMG Guidelines, 2015. Collection method: clinical testing. Allele origin: germline. Inheritance: Autosomal dominant inheritance. Observed: 1 variant allele, 1 heterozygote.
Comment: This study involves interpretation of variants in research participants for the purpose of population health screening. Participant phenotype was not available at the time of variant classification. Additional details can be found in publication PMID: 35346344, PMCID: PMC8962531